The following is an entry in ClinVar:

NM_004738.5(VAPB):c.292G>T (p.Asp98Tyr)

Gene: VAPB (VAMP associated protein B and C; plus strand). Cytogenetic location: 20q13.32.
Variant type: single nucleotide variant.
Coding change: c.292G>T on transcript NM_004738.5 (MANE Select); coding-DNA position 292, G replaced by T.
Protein change: p.Asp98Tyr; replaces aspartic acid 98 with tyrosine.
Molecular consequence: missense variant. On other transcripts: intron variant (1).
Genome position (GRCh38, 1-based): chr20:58,434,682, G>T. VCF-style: chr20-58434682-G-T. GRCh37 (hg19) VCF-style: chr20-57009738-G-T.
Other names: c.212-9395G>T (NM_001195677.2); short protein forms D98Y.
Identifiers: ClinVar variation 3755027 (VCV003755027.2).

ClinVar aggregate classification (germline): Uncertain significance (1 of 4 stars; one submission).

Conditions:
Adult-onset proximal spinal muscular atrophy, autosomal dominant. Also called: Spinal muscular atrophy, late-onset, finkel type; FINKEL LATE-ADULT TYPE SMA. Identifiers: Orphanet 209335, MedGen C1854058, MONDO:0008453, OMIM 182980.
Amyotrophic lateral sclerosis type 8 (ALS8). Identifiers: Orphanet 803, MedGen C1837728, MONDO:0012077, OMIM 608627.

Submission:

Labcorp Genetics (formerly Invitae), Labcorp
Classification: Uncertain significance for Adult-onset proximal spinal muscular atrophy, autosomal dominant; Amyotrophic lateral sclerosis type 8. Last evaluated: 2024-03-01. Review status: criteria provided, single submitter. Criteria: Invitae Variant Classification Sherloc (09022015). Collection method: clinical testing. Allele origin: germline.
Comment: This sequence change replaces aspartic acid, which is acidic and polar, with tyrosine, which is neutral and polar, at codon 98 of the VAPB protein (p.Asp98Tyr). This variant is not present in population databases (gnomAD no frequency). This variant has not been reported in the literature in individuals affected with VAPB-related conditions. Advanced modeling of protein sequence and biophysical properties (such as structural, functional, and spatial information, amino acid conservation, physicochemical variation, residue mobility, and thermodynamic stability) performed at Invitae indicates that this missense variant is expected to disrupt VAPB protein function with a positive predictive value of 80%. In summary, the available evidence is currently insufficient to determine the role of this variant in disease. Therefore, it has been classified as a Variant of Uncertain Significance.